The following is an entry in ClinVar:

ClinVar aggregate classification (germline): Uncertain significance (1 of 4 stars; one submission).

Conditions:
Progressive sclerosing poliodystrophy (MTDPS4A). Also called: ALPERS PROGRESSIVE INFANTILE POLIODYSTROPHY; NEURONAL DEGENERATION OF CHILDHOOD WITH LIVER DISEASE, PROGRESSIVE; Alpers Syndrome; ALPERS DIFFUSE DEGENERATION OF CEREBRAL GRAY MATTER WITH HEPATIC CIRRHOSIS; Alpers-Huttenlocher Syndrome; Mitochondrial DNA depletion syndrome 4A (Alpers type). Identifiers: Orphanet 726, MedGen C0205710, MONDO:0008758, OMIM 203700.

gnomAD v4.1: 2 of 1,613,944 alleles (0.00012%); highest among the groups gnomAD compares: Non-Finnish European, 0.00017%; no homozygotes.

Submission:

Labcorp Genetics (formerly Invitae), Labcorp
Classification: Uncertain significance for Progressive sclerosing poliodystrophy. Last evaluated: 2024-06-13. Review status: criteria provided, single submitter. Criteria: Invitae Variant Classification Sherloc (09022015). Collection method: clinical testing. Allele origin: germline.
Comment: This sequence change replaces leucine, which is neutral and non-polar, with valine, which is neutral and non-polar, at codon 973 of the POLG protein (p.Leu973Val). This variant is not present in population databases (gnomAD no frequency). This variant has not been reported in the literature in individuals affected with POLG-related conditions. Advanced modeling of protein sequence and biophysical properties (such as structural, functional, and spatial information, amino acid conservation, physicochemical variation, residue mobility, and thermodynamic stability) performed at Invitae indicates that this missense variant is expected to disrupt POLG protein function with a positive predictive value of 95%. In summary, the available evidence is currently insufficient to determine the role of this variant in disease. Therefore, it has been classified as a Variant of Uncertain Significance.

NM_002693.3(POLG):c.2917C>G (p.Leu973Val)

Gene: POLG (DNA polymerase gamma, catalytic subunit; minus strand). Cytogenetic location: 15q26.1.
Variant type: single nucleotide variant.
Coding change: c.2917C>G on transcript NM_002693.3 (MANE Select); coding-DNA position 2917, C replaced by G.
Protein change: p.Leu973Val; replaces leucine 973 with valine.
Molecular consequence: missense variant.
Genome position (GRCh38, 1-based): chr15:89,320,830, G>C on the plus strand (C>G on the coding strand, the complement: POLG is on the minus strand). VCF-style: chr15-89320830-G-C. GRCh37 (hg19) VCF-style: chr15-89864061-G-C.
Other names: c.2917C>G, p.Leu973Val (NM_001126131.2); short protein forms L973V.
Identifiers: ClinVar variation 3636634 (VCV003636634.2).